The following is an entry in ClinVar:

ClinVar aggregate classification (germline): Uncertain significance (1 of 4 stars; one submission).

Conditions:
MYH1-related disorder. Also called: MYH1-related condition.

gnomAD v4.1: 41 of 1,614,080 alleles (0.0025%); highest among the groups gnomAD compares: Non-Finnish European, 0.0031%; no homozygotes.

Submission:

PreventionGenetics, part of Exact Sciences
Classification: Uncertain significance for MYH1-related condition. Last evaluated: 2026-07-26. Review status: criteria provided, single submitter. Criteria: ACMG Guidelines, 2015. Collection method: clinical testing. Allele origin: germline.
Comment: The MYH1 c.95T>C variant is predicted to result in the amino acid substitution p.Phe32Ser. To our knowledge, this variant has not been reported in the literature. This variant is reported in 0.0029% of alleles in individuals of Latino descent in gnomAD. At this time, the clinical significance of this variant is uncertain due to the absence of conclusive functional and genetic evidence.

NM_005963.4(MYH1):c.95T>C (p.Phe32Ser)

Genes: MYH1 (myosin heavy chain 1; minus strand), MYHAS (myosin heavy chain gene cluster antisense RNA; plus strand). Cytogenetic location: 17p13.1.
Variant type: single nucleotide variant.
Coding change: c.95T>C on transcript NM_005963.4 (MANE Select); coding-DNA position 95, T replaced by C.
Protein change: p.Phe32Ser; replaces phenylalanine 32 with serine.
Molecular consequence: missense variant.
Genome position (GRCh38, 1-based): chr17:10,516,548, A>G on the plus strand (T>C on the coding strand, the complement: MYH1 is on the minus strand). VCF-style: chr17-10516548-A-G. GRCh37 (hg19) VCF-style: chr17-10419865-A-G.
Other names: short protein forms F32S.
Identifiers: ClinVar variation 4981896 (VCV004981896.1).